The following is an entry in ClinVar:

ClinVar aggregate classification (germline): Likely benign. Review status: criteria provided, single submitter (1 of 4 stars). 2 submissions from 2 submitters: Likely benign (1). 1 of the submissions does not count toward it. Last evaluated 2024-01-14.

Conditions:
PCNT-related disorder. Also called: PCNT-related condition.

Allele frequency attached by ClinVar (database versions not stated): ExAC 0.00002.
gnomAD v4.1: 2 of 1,612,520 alleles (0.00012%); highest among the groups gnomAD compares: Non-Finnish European, 0.00017%; no homozygotes.

Submissions (2):

Labcorp Genetics (formerly Invitae), Labcorp
Classification: Likely benign. Last evaluated: 2024-01-14. Review status: criteria provided, single submitter. Criteria: Invitae Variant Classification Sherloc (09022015). Collection method: clinical testing. Allele origin: germline.

PreventionGenetics, part of Exact Sciences
Classification: Likely benign for PCNT-related condition. Last evaluated: 2021-10-01. Review status: no assertion criteria provided. Collection method: clinical testing. Allele origin: germline. Not counted in ClinVar's aggregate classification.
Comment: This variant is classified as likely benign based on ACMG/AMP sequence variant interpretation guidelines (Richards et al. 2015 PMID: 25741868, with internal and published modifications).

NM_006031.6(PCNT):c.7554G>C (p.Leu2518=)

Gene: PCNT (pericentrin; plus strand). Cytogenetic location: 21q22.3.
Variant type: single nucleotide variant.
Coding change: c.7554G>C on transcript NM_006031.6 (MANE Select); coding-DNA position 7554, G replaced by C.
Protein change: p.Leu2518=; no amino-acid change (leucine 2518 retained).
Molecular consequence: synonymous variant.
Genome position (GRCh38, 1-based): chr21:46,428,454, G>C. VCF-style: chr21-46428454-G-C. GRCh37 (hg19) VCF-style: chr21-47848368-G-C.
Other names: c.7200G>C, p.Leu2400= (NM_001315529.2); c.7554G>C (NM_006031.5).
Identifiers: ClinVar variation 2782572 (VCV002782572.4), dbSNP rs767548910, ClinGen allele CA10080706.